The following is an entry in ClinVar:

ClinVar aggregate classification (germline): Uncertain significance (1 of 4 stars; one submission).

Submission:

Labcorp Genetics (formerly Invitae), Labcorp
Classification: Uncertain significance. Last evaluated: 2022-07-12. Review status: criteria provided, single submitter. Criteria: Invitae Variant Classification Sherloc (09022015). Collection method: clinical testing. Allele origin: germline.
Comment: This sequence change replaces leucine, which is neutral and non-polar, with proline, which is neutral and non-polar, at codon 1061 of the ADGRV1 protein (p.Leu1061Pro). This variant is not present in population databases (gnomAD no frequency). This variant has not been reported in the literature in individuals affected with ADGRV1-related conditions. ClinVar contains an entry for this variant (Variation ID: 1379921). Algorithms developed to predict the effect of missense changes on protein structure and function are either unavailable or do not agree on the potential impact of this missense change (SIFT: "Deleterious"; PolyPhen-2: "Probably Damaging"; Align-GVGD: "Class C0"). In summary, the available evidence is currently insufficient to determine the role of this variant in disease. Therefore, it has been classified as a Variant of Uncertain Significance.

NM_032119.4(ADGRV1):c.3182T>C (p.Leu1061Pro)

Gene: ADGRV1 (adhesion G protein-coupled receptor V1; plus strand). Cytogenetic location: 5q14.3.
Variant type: single nucleotide variant.
Coding change: c.3182T>C on transcript NM_032119.4 (MANE Select); coding-DNA position 3182, T replaced by C.
Protein change: p.Leu1061Pro; replaces leucine 1061 with proline.
Molecular consequence: missense variant. On other transcripts: non-coding transcript variant (1).
Genome position (GRCh38, 1-based): chr5:90,647,657, T>C. VCF-style: chr5-90647657-T-C. GRCh37 (hg19) VCF-style: chr5-89943474-T-C.
Other names: short protein forms L1061P.
Identifiers: ClinVar variation 1379921 (VCV001379921.5), dbSNP rs2149446884, ClinGen allele CA360393656.